The following is an entry in ClinVar:

ClinVar aggregate classification (germline): Uncertain significance (1 of 4 stars; one submission).

Submission:

Ambry Genetics
Classification: Uncertain significance. Last evaluated: 2024-06-15. Review status: criteria provided, single submitter. Criteria: Ambry Variant Classification Scheme 2023. Collection method: clinical testing. Allele origin: germline.
Comment: The p.F438Y variant (also known as c.1313T>A), located in coding exon 12 of the BUB1 gene, results from a T to A substitution at nucleotide position 1313. The phenylalanine at codon 438 is replaced by tyrosine, an amino acid with highly similar properties. This amino acid position is conserved. In addition, this alteration is predicted to be tolerated by in silico analysis. Since supporting evidence is limited at this time, the clinical significance of this alteration remains unclear.

NM_004336.5(BUB1):c.1313T>A (p.Phe438Tyr)

Gene: BUB1 (BUB1 mitotic checkpoint serine/threonine kinase; minus strand). Cytogenetic location: 2q13.
Variant type: single nucleotide variant.
Coding change: c.1313T>A on transcript NM_004336.5 (MANE Select); coding-DNA position 1313, T replaced by A.
Protein change: p.Phe438Tyr; replaces phenylalanine 438 with tyrosine.
Molecular consequence: missense variant.
Genome position (GRCh38, 1-based): chr2:110,658,706, A>T on the plus strand (T>A on the coding strand, the complement: BUB1 is on the minus strand). VCF-style: chr2-110658706-A-T. GRCh37 (hg19) VCF-style: chr2-111416283-A-T.
Other names: c.1253T>A, p.Phe418Tyr (NM_001278616.2); c.1313T>A, p.Phe438Tyr (NM_001278617.2); short protein forms F418Y, F438Y.
Identifiers: ClinVar variation 1769726 (VCV001769726.3), dbSNP rs2468010531, ClinGen allele CA348212690.